The following is an entry in ClinVar:

NM_001378120.1(MBD5):c.1265_1266del (p.His422fs)

Gene: MBD5 (methyl-CpG binding domain protein 5; plus strand). Cytogenetic location: 2q23.1.
Variant type: Deletion.
Coding change: c.1265_1266del on transcript NM_001378120.1 (MANE Select); coding-DNA positions 1265 to 1266, 2 bases deleted (AT; older notation c.1265_1266delAT).
Protein change: p.His422fs; shifts the reading frame from histidine 422.
Molecular consequence: frameshift variant.
Genome position (GRCh38, 1-based): chr2:148,469,208-148,469,209, AT deleted. VCF-style (leftmost placement, unchanged base first): chr2-148469207-CAT-C. GRCh37 (hg19) VCF-style: chr2-149226776-CAT-C.
Other names: c.1265_1266del, p.His422fs (NM_001438854.1, NM_001438855.1, NM_001438856.1 and 7 more transcripts); short protein forms H422fs.
Identifiers: ClinVar variation 4729293 (VCV004729293.1).
Genomic context (GRCh38, chr2:148,469,207, plus strand): 5'-CCTTTGCCAAGTAATCTCCCATTGCCAACTGTAAAACCTGGTCACATGAATCATGGGAGT[CAT>C]GTACAAAGAGTTCAGCATTCAGCTTCAACCTCCCTGTCCCCTTCTCCAGTGACATCCCCC-3'

ClinVar aggregate classification (germline): Pathogenic (1 of 4 stars; one submission).

Conditions:
Intellectual developmental disorder, autosomal dominant 1. Also called: MBD5 Haploinsufficiency; Intellectual disability, autosomal dominant 1. Identifiers: Orphanet 228402, MedGen C1969562, MONDO:0007974, OMIM 156200.

Submission:

Labcorp Genetics (formerly Invitae), Labcorp
Classification: Pathogenic for Intellectual developmental disorder, autosomal dominant 1. Last evaluated: 2025-10-15. Review status: criteria provided, single submitter. Criteria: Invitae Variant Classification Sherloc (09022015). Collection method: clinical testing. Allele origin: germline.
Comment: This sequence change creates a premature translational stop signal (p.His422Argfs*32) in the MBD5 gene. It is expected to result in an absent or disrupted protein product. Loss-of-function variants in MBD5 are known to be pathogenic (PMID: 23422940, 23587880). This variant is not present in population databases (gnomAD no frequency). This variant has not been reported in the literature in individuals affected with MBD5-related conditions. For these reasons, this variant has been classified as Pathogenic.

Literature cited by the submitters: PubMed 23422940; PubMed 23587880.